The following is an entry in ClinVar:

ClinVar aggregate classification (germline): Uncertain significance (1 of 4 stars; one submission).

gnomAD v4.1: 2 of 1,614,112 alleles (0.00012%); highest among the groups gnomAD compares: African/African-American, 0.0013%; no homozygotes.

Submission:

Labcorp Genetics (formerly Invitae), Labcorp
Classification: Uncertain significance. Last evaluated: 2024-05-16. Review status: criteria provided, single submitter. Criteria: Invitae Variant Classification Sherloc (09022015). Collection method: clinical testing. Allele origin: germline.
Comment: This sequence change replaces methionine, which is neutral and non-polar, with valine, which is neutral and non-polar, at codon 595 of the KCNH1 protein (p.Met595Val). This variant is not present in population databases (gnomAD no frequency). This variant has not been reported in the literature in individuals affected with KCNH1-related conditions. Advanced modeling of protein sequence and biophysical properties (such as structural, functional, and spatial information, amino acid conservation, physicochemical variation, residue mobility, and thermodynamic stability) has been performed at Invitae for this missense variant, however the output from this modeling did not meet the statistical confidence thresholds required to predict the impact of this variant on KCNH1 protein function. In summary, the available evidence is currently insufficient to determine the role of this variant in disease. Therefore, it has been classified as a Variant of Uncertain Significance.

NM_172362.3(KCNH1):c.1783A>G (p.Met595Val)

Gene: KCNH1 (potassium voltage-gated channel subfamily H member 1; minus strand). Cytogenetic location: 1q32.2.
Variant type: single nucleotide variant.
Coding change: c.1783A>G on transcript NM_172362.3 (MANE Select); coding-DNA position 1783, A replaced by G.
Protein change: p.Met595Val; replaces methionine 595 with valine.
Molecular consequence: missense variant.
Genome position (GRCh38, 1-based): chr1:210,797,640, T>C on the plus strand (A>G on the coding strand, the complement: KCNH1 is on the minus strand). VCF-style: chr1-210797640-T-C. GRCh37 (hg19) VCF-style: chr1-210970982-T-C.
Other names: c.1702A>G, p.Met568Val (NM_002238.4); short protein forms M595V, M568V.
Identifiers: ClinVar variation 3682463 (VCV003682463.2).
Genomic context (GRCh38, chr1:210,797,640, plus strand): 5'-CGCTCTCTCCTGCATGGTAGATGAGGTCCCCTGGGGCACAGTGCACCGTCTGGAACTCCA[T>C]GGCCAGTGCCCGGAGGCAGCCATCACTGGCCAGCCGGAAGGCCGGGTGCTCCTTGAACAC-3'
Protein context (NP_758872.1, residues 585-605): ASDGCLRALA[Met595Val]EFQTVHCAPG